The following is an entry in ClinVar:

NM_052989.3(IFT122):c.273-281_273-271del

Gene: IFT122 (intraflagellar transport 122; plus strand). Cytogenetic location: 3q21.3.
Variant type: Deletion.
Coding change: c.273-281_273-271del on transcript NM_052989.3 (MANE Select); 281 bases into the intron before coding-DNA position 273 through 271 bases into the intron before coding-DNA position 273, 11 bases deleted (AGGCCAAGGTG).
Molecular consequence: intron variant. On other transcripts: frameshift variant (2).
Genome position (GRCh38, 1-based): chr3:129,460,947-129,460,957, AGGCCAAGGTG deleted. VCF-style (leftmost placement, unchanged base first): chr3-129460946-AAGGCCAAGGTG-A. GRCh37 (hg19) VCF-style: chr3-129179789-AAGGCCAAGGTG-A.
Other names: c.366_376delAGGCCAAGGTG (NM_052985.3); c.366_376del, p.Gly123fs (NM_001280541.2, NM_052985.4); c.-178-281_-178-271del (NM_001280545.2, NM_001280546.2); c.273-281_273-271del (NM_018262.4); c.194-2613_194-2603del (NM_052990.3); c.366_376del11 (NM_052985.3); short protein forms G123fs.
Identifiers: ClinVar variation 1323102 (VCV001323102.6), dbSNP rs1559868433, ClinGen allele CA917004901.

ClinVar aggregate classification (germline): Pathogenic/Likely pathogenic. Review status: criteria provided, multiple submitters, no conflicts (2 of 4 stars). 3 submissions from 3 submitters: Pathogenic (1); Likely pathogenic (1). 1 of the submissions does not count toward it. Last evaluated 2024-06-24.

Conditions:
Cranioectodermal dysplasia 1 (CED1). Also called: LEVIN SYNDROME I. Identifiers: Orphanet 1515, MedGen C0432235, MONDO:0021093, OMIM 218330.
IFT122-related disorder. Also called: IFT122-related condition.

Allele frequency attached by ClinVar (database versions not stated): gnomAD exomes below 0.00001.

Submissions (3):

Fulgent Genetics
Classification: Pathogenic for Cranioectodermal dysplasia 1. Last evaluated: 2024-06-24. Review status: criteria provided, single submitter. Criteria: ACMG Guidelines, 2015. Collection method: clinical testing. Allele origin: germline.

PreventionGenetics, part of Exact Sciences
Classification: Likely pathogenic for IFT122-related condition. Last evaluated: 2023-01-24. Review status: criteria provided, single submitter. Criteria: ACMG Guidelines, 2015. Collection method: clinical testing. Allele origin: germline.
Comment: The IFT122 c.366_376del11 variant is predicted to result in a frameshift and premature protein termination (p.Gly123Glufs*3). This variant was reported in an individual with cranioectodermal dysplasia (Yang et al. 2021. PubMed ID: 33717254). This variant is reported in 0.0054% of alleles in individuals of East Asian descent in gnomAD. Frameshift variants in IFT122 are expected to be pathogenic. This variant is interpreted as likely pathogenic.

OMIM
Classification: Pathogenic for CRANIOECTODERMAL DYSPLASIA 1. Last evaluated: 2021-12-22. Review status: no assertion criteria provided. Collection method: literature only. Allele origin: germline. Not counted in ClinVar's aggregate classification.

Literature cited by the submitters: PubMed 33717254 (cited by OMIM).